The following is an entry in ClinVar:

NM_015466.4(PTPN23):c.3383A>G (p.His1128Arg)

Gene: PTPN23 (protein tyrosine phosphatase non-receptor type 23; plus strand). Cytogenetic location: 3p21.31.
Variant type: single nucleotide variant.
Coding change: c.3383A>G on transcript NM_015466.4 (MANE Select); coding-DNA position 3383, A replaced by G.
Protein change: p.His1128Arg; replaces histidine 1128 with arginine.
Molecular consequence: missense variant.
Genome position (GRCh38, 1-based): chr3:47,411,181, A>G. VCF-style: chr3-47411181-A-G. GRCh37 (hg19) VCF-style: chr3-47452671-A-G.
Other names: c.3005A>G, p.His1002Arg (NM_001304482.2); short protein forms H1128R, H1002R.
Identifiers: ClinVar variation 1518131 (VCV001518131.6), dbSNP rs1026803124, ClinGen allele CA73881957.

ClinVar aggregate classification (germline): Uncertain significance (1 of 4 stars; one submission).

Allele frequency attached by ClinVar (database versions not stated): gnomAD exomes 0.00001; TOPMed 0.00001.
gnomAD v4.1: 14 of 1,603,892 alleles (0.00087%); highest among the groups gnomAD compares: Admixed American, 0.0017%; no homozygotes.

Submission:

Labcorp Genetics (formerly Invitae), Labcorp
Classification: Uncertain significance. Last evaluated: 2022-07-06. Review status: criteria provided, single submitter. Criteria: Invitae Variant Classification Sherloc (09022015). Collection method: clinical testing. Allele origin: germline.
Comment: In summary, the available evidence is currently insufficient to determine the role of this variant in disease. Therefore, it has been classified as a Variant of Uncertain Significance. Algorithms developed to predict the effect of missense changes on protein structure and function are either unavailable or do not agree on the potential impact of this missense change (SIFT: "Tolerated"; PolyPhen-2: "Possibly Damaging"; Align-GVGD: "Class C0"). ClinVar contains an entry for this variant (Variation ID: 1518131). This variant has not been reported in the literature in individuals affected with PTPN23-related conditions. This variant is present in population databases (no rsID available, gnomAD 0.003%). This sequence change replaces histidine, which is basic and polar, with arginine, which is basic and polar, at codon 1128 of the PTPN23 protein (p.His1128Arg).